The following is an entry in ClinVar:

ClinVar aggregate classification (germline): Likely benign (1 of 4 stars; one submission).

Allele frequency attached by ClinVar (database versions not stated): TOPMed 0.00053; ExAC 0.00073; 1000 Genomes Project 30x 0.00016; gnomAD exomes 0.00031; gnomAD 0.00042.

Submission:

CeGaT Center for Human Genetics Tuebingen
Classification: Likely benign. Last evaluated: 2022-04-01. Review status: criteria provided, single submitter. Criteria: CeGaT Center For Human Genetics Tuebingen Variant Classification Criteria Version 2. Collection method: clinical testing. Allele origin: germline. Affected: yes. Observed: 1 variant allele.
Comment: MROH2A: BP4, BP7

NM_001394639.1(MROH2A):c.4185C>T (p.Ala1395=)

Gene: MROH2A (maestro heat like repeat family member 2A; plus strand). Cytogenetic location: 2q37.1.
Variant type: single nucleotide variant.
Coding change: c.4185C>T on transcript NM_001394639.1 (MANE Select); coding-DNA position 4185, C replaced by T.
Protein change: p.Ala1395=; no amino-acid change (alanine 1395 retained).
Molecular consequence: synonymous variant.
Genome position (GRCh38, 1-based): chr2:233,828,701, C>T. VCF-style: chr2-233828701-C-T. GRCh37 (hg19) VCF-style: chr2-234737347-C-T.
Other names: c.4191C>T, p.Ala1397= (NM_001367507.1).
Identifiers: ClinVar variation 2652027 (VCV002652027.24), dbSNP rs563807941, ClinGen allele CA2180764.
Genomic context (GRCh38, chr2:233,828,701, plus strand): 5'-CCCAGTTCTGTACCAGGAGAAGCTGCTGAAGCCGGCAGCTTTGCTGCTGGAGAAGGGTGC[C>T]GACCAGGAGGAAGACGAGGCCCTGCGGGTGCTGTCCCTGCGCGCCCTCGGCAACATGGCC-3'
Protein context (NP_001381568.1, residues 1385-1405): KPAALLLEKG[Ala1395=]DQEEDEALRV